The following is an entry in ClinVar:

NM_006059.4(LAMC3):c.2204G>A (p.Arg735His)

Gene: LAMC3 (laminin subunit gamma 3; plus strand). Cytogenetic location: 9q34.12.
Variant type: single nucleotide variant.
Coding change: c.2204G>A on transcript NM_006059.4 (MANE Select); coding-DNA position 2204, G replaced by A.
Protein change: p.Arg735His; replaces arginine 735 with histidine.
Molecular consequence: missense variant.
Genome position (GRCh38, 1-based): chr9:131,061,080, G>A. VCF-style: chr9-131061080-G-A. GRCh37 (hg19) VCF-style: chr9-133936467-G-A.
Other names: short protein forms R735H.
Identifiers: ClinVar variation 1473182 (VCV001473182.5), dbSNP rs202236098, ClinGen allele CA5287353.
Genomic context (GRCh38, chr9:131,061,080, plus strand): 5'-TGTCTTGCCCCTCAGGGATCTGTGTCTGCAGCCACCATACCGAGGGCCCATCCTGTGAAC[G>A]CTGTTTGCCAGGTTTCTATGGCAACCCTTTCGCGGGCCAAGCCGACGACTGCCAGCCCTG-3'
Protein context (NP_006050.3, residues 725-745): SHHTEGPSCE[Arg735His]CLPGFYGNPF

ClinVar aggregate classification (germline): Uncertain significance (1 of 4 stars; one submission).

Allele frequency attached by ClinVar (database versions not stated): ExAC 0.00002; gnomAD exomes 0.00002; TOPMed 0.00004; gnomAD 0.00008 and 0.00009; 1000 Genomes Project 30x 0.00031; 1000 Genomes Project 0.00040.
gnomAD v4.1: 26 of 1,614,128 alleles (0.0016%); highest among the groups gnomAD compares: African/African-American, 0.02%; no homozygotes.

Submission:

Labcorp Genetics (formerly Invitae), Labcorp
Classification: Uncertain significance. Last evaluated: 2022-05-07. Review status: criteria provided, single submitter. Criteria: Invitae Variant Classification Sherloc (09022015). Collection method: clinical testing. Allele origin: germline.
Comment: This sequence change replaces arginine, which is basic and polar, with histidine, which is basic and polar, at codon 735 of the LAMC3 protein (p.Arg735His). This variant is present in population databases (rs202236098, gnomAD 0.02%). This variant has not been reported in the literature in individuals affected with LAMC3-related conditions. Algorithms developed to predict the effect of missense changes on protein structure and function output the following: SIFT: "Deleterious"; PolyPhen-2: "Possibly Damaging"; Align-GVGD: "Class C0". The histidine amino acid residue is found in multiple mammalian species, which suggests that this missense change does not adversely affect protein function. In summary, the available evidence is currently insufficient to determine the role of this variant in disease. Therefore, it has been classified as a Variant of Uncertain Significance.